The following is an entry in ClinVar:

NM_001127208.3(TET2):c.2714A>G (p.Asp905Gly)

Genes: TET2 (tet methylcytosine dioxygenase 2; plus strand), TET2-AS1 (TET2 antisense RNA 1; minus strand). Cytogenetic location: 4q24.
Variant type: single nucleotide variant.
Coding change: c.2714A>G on transcript NM_001127208.3 (MANE Select); coding-DNA position 2714, A replaced by G.
Protein change: p.Asp905Gly; replaces aspartic acid 905 with glycine.
Molecular consequence: missense variant.
Genome position (GRCh38, 1-based): chr4:105,236,656, A>G. VCF-style: chr4-105236656-A-G. GRCh37 (hg19) VCF-style: chr4-106157813-A-G.
Other names: c.2714A>G, p.Asp905Gly (NM_017628.4); short protein forms D905G.
Identifiers: ClinVar variation 4183004 (VCV004183004.1).

ClinVar aggregate classification (germline): Uncertain significance (1 of 4 stars; one submission).

Submission:

Ambry Genetics
Classification: Uncertain significance. Last evaluated: 2025-08-04. Review status: criteria provided, single submitter. Criteria: Ambry Variant Classification Scheme 2023. Collection method: clinical testing. Allele origin: germline.
Comment: The p.D905G variant (also known as c.2714A>G), located in coding exon 1 of the TET2 gene, results from an A to G substitution at nucleotide position 2714. The aspartic acid at codon 905 is replaced by glycine, an amino acid with similar properties. This amino acid position is conserved. In addition, this alteration is predicted to be tolerated by in silico analysis. Based on the available evidence, the clinical significance of this variant remains unclear.